The following is an entry in ClinVar:

ClinVar aggregate classification (germline): Uncertain significance. Review status: criteria provided, multiple submitters, no conflicts (2 of 4 stars). 2 submissions from 2 submitters: Uncertain significance (2). Last evaluated 2024-06-16.

Conditions:
Reticular dysgenesis. Also called: ALEUKOCYTOSIS; CONGENITAL ALEUKIA; HEMATOPOIETIC HYPOPLASIA, GENERALIZED; RETICULAR DYSGENESIA; SEVERE COMBINED IMMUNODEFICIENCY WITH LEUKOPENIA; DeVaal disease. Identifiers: Orphanet 33355, MedGen C0272167, MONDO:0009973, OMIM 267500.

Allele frequency attached by ClinVar (database versions not stated): TOPMed below 0.00001; gnomAD 0.00001; gnomAD exomes 0.00001.

Submissions (2):

Fulgent Genetics
Classification: Uncertain significance for Reticular dysgenesis. Last evaluated: 2024-06-16. Review status: criteria provided, single submitter. Criteria: ACMG Guidelines, 2015. Collection method: clinical testing. Allele origin: germline.

GeneDx
Classification: Uncertain significance. Last evaluated: 2020-02-10. Review status: criteria provided, single submitter. Criteria: GeneDx Variant Classification Process June 2021. Collection method: clinical testing. Allele origin: germline. Affected: yes.
Comment: Has not been previously published as pathogenic or benign to our knowledge; In silico analysis supports that this missense variant has a deleterious effect on protein structure/function

NM_001625.4(AK2):c.340C>T (p.Leu114Phe)

Gene: AK2 (adenylate kinase 2; minus strand). Cytogenetic location: 1p35.1.
Variant type: single nucleotide variant.
Coding change: c.340C>T on transcript NM_001625.4 (MANE Select); coding-DNA position 340, C replaced by T.
Protein change: p.Leu114Phe; replaces leucine 114 with phenylalanine.
Molecular consequence: missense variant. On other transcripts: intron variant (1).
Genome position (GRCh38, 1-based): chr1:33,021,452, G>A on the plus strand (C>T on the coding strand, the complement: AK2 is on the minus strand). VCF-style: chr1-33021452-G-A. GRCh37 (hg19) VCF-style: chr1-33487053-G-A.
Other names: c.340C>T, p.Leu114Phe (NM_001199199.3, NM_001319141.3, NM_013411.5); c.196C>T, p.Leu66Phe (NM_001319139.3, NM_001319140.2); c.214C>T, p.Leu72Phe (NM_001319142.3); c.330+141C>T (NM_001319143.2); short protein forms L114F, L66F, L72F.
Identifiers: ClinVar variation 1315362 (VCV001315362.3), dbSNP rs1485436107, ClinGen allele CA339702118.